The following is an entry in ClinVar:

NM_152490.5(B3GALNT2):c.907C>G (p.Leu303Val)

Gene: B3GALNT2 (beta-1,3-N-acetylgalactosaminyltransferase 2; minus strand). Cytogenetic location: 1q42.3.
Variant type: single nucleotide variant.
Coding change: c.907C>G on transcript NM_152490.5 (MANE Select); coding-DNA position 907, C replaced by G.
Protein change: p.Leu303Val; replaces leucine 303 with valine.
Molecular consequence: missense variant.
Genome position (GRCh38, 1-based): chr1:235,458,721, G>C on the plus strand (C>G on the coding strand, the complement: B3GALNT2 is on the minus strand). VCF-style: chr1-235458721-G-C. GRCh37 (hg19) VCF-style: chr1-235622029-G-C.
Other names: short protein forms L303V.
Identifiers: ClinVar variation 2108574 (VCV002108574.4), dbSNP rs1226064640, ClinGen allele CA344960119.
Genomic context (GRCh38, chr1:235,458,721, plus strand): 5'-CAAAAACAATATCATCATAGATGCTGCTTTCCTCCTTCAGTAAGGCATCTTCCTCATGGA[G>C]ATTCCTTATATGATCAATAAGTCTTTGAGGGCGAGAATGAAGGTTGTGTAAGAGAGCATC-3'
Protein context (NP_689703.1, residues 293-313): PQRLIDHIRN[Leu303Val]HEEDALLKEE

ClinVar aggregate classification (germline): Uncertain significance (1 of 4 stars; one submission).

Conditions:
Muscular dystrophy-dystroglycanopathy (congenital with brain and eye anomalies), type a, 11 (MDDGA11). Also called: Congenital muscular dystrophy-dystroglycanopathy with brain and eye anomalies, type A11; WALKER-WARBURG SYNDROME OR MUSCLE-EYE-BRAIN DISEASE, B3GALNT2-RELATED; Muscular dystrophy-dystroglycanopathy (congenital with brain and eye anomalies, type A, 11. Identifiers: Orphanet 588, Orphanet 899, MedGen C3554638, MONDO:0014071, OMIM 615181.

gnomAD v4.1: 3 of 1,613,266 alleles (0.00019%); highest among the groups gnomAD compares: Non-Finnish European, 0.00025%; no homozygotes.

Submission:

Labcorp Genetics (formerly Invitae), Labcorp
Classification: Uncertain significance for Muscular dystrophy-dystroglycanopathy (congenital with brain and eye anomalies), type a, 11. Last evaluated: 2022-03-10. Review status: criteria provided, single submitter. Criteria: Invitae Variant Classification Sherloc (09022015). Collection method: clinical testing. Allele origin: germline.
Comment: This sequence change replaces leucine, which is neutral and non-polar, with valine, which is neutral and non-polar, at codon 303 of the B3GALNT2 protein (p.Leu303Val). This variant is present in population databases (no rsID available, gnomAD 0.0009%). This variant has not been reported in the literature in individuals affected with B3GALNT2-related conditions. Algorithms developed to predict the effect of missense changes on protein structure and function are either unavailable or do not agree on the potential impact of this missense change (SIFT: "Tolerated"; PolyPhen-2: "Possibly Damaging"; Align-GVGD: "Class C0"). In summary, the available evidence is currently insufficient to determine the role of this variant in disease. Therefore, it has been classified as a Variant of Uncertain Significance.